The following is an entry in ClinVar:

ClinVar aggregate classification (germline): Uncertain significance. Review status: criteria provided, multiple submitters, no conflicts (2 of 4 stars). 2 submissions from 2 submitters: Uncertain significance (2). Last evaluated 2024-08-12.

Conditions:
Inborn genetic diseases. Identifiers: MedGen C0950123, MeSH D030342.
Combined immunodeficiency due to DOCK8 deficiency (HIES2). Also called: HYPER-IgE SYNDROME 2, AUTOSOMAL RECESSIVE, WITH RECURRENT INFECTIONS; HIES autosomal recessive; DOCK8 Deficiency; Hyper-IgE recurrent infection syndrome, autosomal recessive; HYPER-IgE RECURRENT INFECTION SYNDROME 2, AUTOSOMAL RECESSIVE. Identifiers: Orphanet 217390, MedGen C4722305, MONDO:0009478, OMIM 243700.

Allele frequency attached by ClinVar (database versions not stated): gnomAD 0.00001; TOPMed 0.00001.
gnomAD v4.1: 4 of 1,613,914 alleles (0.00025%); highest among the groups gnomAD compares: East Asian, 0.0067%; no homozygotes.

Submissions (2):

Ambry Genetics
Classification: Uncertain significance for Inborn genetic diseases. Last evaluated: 2024-08-12. Review status: criteria provided, single submitter. Criteria: Ambry Variant Classification Scheme 2023. Collection method: clinical testing. Allele origin: germline.

Labcorp Genetics (formerly Invitae), Labcorp
Classification: Uncertain significance for Combined immunodeficiency due to DOCK8 deficiency. Last evaluated: 2022-07-17. Review status: criteria provided, single submitter. Criteria: Invitae Variant Classification Sherloc (09022015). Collection method: clinical testing. Allele origin: germline.
Comment: In summary, the available evidence is currently insufficient to determine the role of this variant in disease. Therefore, it has been classified as a Variant of Uncertain Significance. Algorithms developed to predict the effect of missense changes on protein structure and function are either unavailable or do not agree on the potential impact of this missense change (SIFT: "Deleterious"; PolyPhen-2: "Possibly Damaging"; Align-GVGD: "Class C0"). This variant has not been reported in the literature in individuals affected with DOCK8-related conditions. This variant is present in population databases (no rsID available, gnomAD 0.06%). This sequence change replaces leucine, which is neutral and non-polar, with methionine, which is neutral and non-polar, at codon 68 of the DOCK8 protein (p.Leu68Met).

NM_203447.4(DOCK8):c.202C>A (p.Leu68Met)

Genes: DOCK8 (dedicator of cytokinesis 8; plus strand), LOC126860552 (BRD4-independent group 4 enhancer GRCh37_chr9:285795-286994; plus strand). Cytogenetic location: 9p24.3.
Variant type: single nucleotide variant.
Coding change: c.202C>A on transcript NM_203447.4 (MANE Select); coding-DNA position 202, C replaced by A.
Protein change: p.Leu68Met; replaces leucine 68 with methionine.
Molecular consequence: missense variant. On other transcripts: 5 prime UTR variant (2).
Genome position (GRCh38, 1-based): chr9:286,506, C>A. VCF-style: chr9-286506-C-A. GRCh37 (hg19) VCF-style: chr9-286506-C-A.
Other names: c.-3C>A (NM_001190458.2, NM_001193536.2); short protein forms L68M.
Identifiers: ClinVar variation 1904981 (VCV001904981.6), dbSNP rs980203348, ClinGen allele CA187775428.
Genomic context (GRCh38, chr9:286,506, plus strand): 5'-TCCCTGCCCCTCCAGCCTCAGTTTTATGACCCTGTGGAGCCAGTGGACTTTGAAGGACTT[C>A]TGATGACACACCTGAACAGCCTGGATGTGCAGCTTGCCCAGGAGCTCGGGGACTTCACTG-3'
Protein context (NP_982272.2, residues 58-78): PVEPVDFEGL[Leu68Met]MTHLNSLDVQ